The following is an entry in ClinVar:

NM_004006.3(DMD):c.2292+1G>A

Gene: DMD (dystrophin; minus strand). Cytogenetic location: Xp21.1.
Variant type: single nucleotide variant.
Coding change: c.2292+1G>A on transcript NM_004006.3 (MANE Select); the canonical splice donor site of the intron after coding-DNA position 2292, G replaced by A.
Molecular consequence: splice donor variant.
Genome position (GRCh38, 1-based): chrX:32,518,007, C>T on the plus strand (G>A on the coding strand, the complement: DMD is on the minus strand). VCF-style: chrX-32518007-C-T. GRCh37 (hg19) VCF-style: chrX-32536124-C-T.
Other names: c.2268+1G>A (NM_000109.4); c.2280+1G>A (NM_004009.3); c.1923+1G>A (NM_004010.3).
Identifiers: ClinVar variation 2439753 (VCV002439753.6), dbSNP rs2525544478, ClinGen allele CA412663591.

ClinVar aggregate classification (germline): Likely pathogenic. Review status: criteria provided, multiple submitters, no conflicts (2 of 4 stars). 2 submissions from 2 submitters: Likely pathogenic (2). Last evaluated 2023-05-20.

Conditions:
Duchenne muscular dystrophy (DMD). Also called: Duchenne Muscular Dystrophy (DMD); MUSCULAR DYSTROPHY, PSEUDOHYPERTROPHIC PROGRESSIVE, DUCHENNE TYPE. Identifiers: Orphanet 98896, MedGen C0013264, MONDO:0010679, OMIM 310200.

Submissions (2):

Neuberg Centre For Genomic Medicine, NCGM
Classification: Likely pathogenic for Duchenne muscular dystrophy. Last evaluated: 2023-05-20. Review status: criteria provided, single submitter. Criteria: ACMG Guidelines, 2015. Collection method: clinical testing. Allele origin: germline. Inheritance: X-linked recessive inheritance. Affected: yes.
Comment: The observed invariant splice donor c.2292+1G>A variant in DMD gene has been reported previously in an individual affected with Duchenne muscular dystrophy (Yamputchong P, et al., 2020). The c.2292+1G>A variant is absent in gnomAD Exomes. This variant has been submitted to the ClinVar database as Likely Pathogenic. SpliceAI predicts this variant to cause splice donor loss (0.99) and splice donor gain (0.80). Loss of function variants have been previously reported to be disease causing. Additional functional studies will be required to prove the pathogenicity of this variant. For these reasons, this variant has been classified as Likely Pathogenic.

Revvity Omics, Revvity
Classification: Likely pathogenic. Last evaluated: 2022-03-09. Review status: criteria provided, single submitter. Criteria: ACMG Guidelines, 2015. Collection method: clinical testing. Allele origin: germline.